The following is an entry in ClinVar:

NC_000006.11:g.(?_51612575)_(51618161_?)del

Gene: PKHD1 (PKHD1 ciliary IPT domain containing fibrocystin/polyductin; minus strand). Cytogenetic location: 6p12.3.
Variant type: Deletion.
Identifiers: ClinVar variation 1071279 (VCV001071279.8).

ClinVar aggregate classification (germline): Pathogenic (1 of 4 stars; one submission).

Conditions:
Autosomal recessive polycystic kidney disease (ARPKD). Also called: AR polycystic kidney disease. Identifiers: Orphanet 731, Orphanet 8378, MedGen C0085548, MeSH D017044, MONDO:0009889.

Submission:

Labcorp Genetics (formerly Invitae), Labcorp
Classification: Pathogenic for Autosomal recessive polycystic kidney disease. Last evaluated: 2022-02-20. Review status: criteria provided, single submitter. Criteria: Invitae Variant Classification Sherloc (09022015). Collection method: clinical testing. Allele origin: germline.
Comment: This variant is a gross deletion of the genomic region encompassing exon(s) 57-58 of the PKHD1 gene. This variant would be expected to be in-frame, preserving the integrity of the reading frame. A similar copy number variant has been observed in individual(s) with polycystic kidney disease (PMID: 16199545). The region of the PKHD1 gene that includes exon(s) 57 has been determined to be clinically significant (PMID: 30017326). Therefore, deletions that encompass that region are likely to be disease-causing. For these reasons, this variant has been classified as Pathogenic.

Literature cited by the submitters: PubMed 16199545; PubMed 30017326.